The following is an entry in ClinVar:

NM_153676.4(USH1C):c.759+272A>G

Gene: USH1C (USH1 protein network component harmonin; minus strand). Cytogenetic location: 11p15.1.
Variant type: single nucleotide variant.
Coding change: c.759+272A>G on transcript NM_153676.4 (MANE Select); 272 bases into the intron after coding-DNA position 759, A replaced by G.
Molecular consequence: intron variant.
Genome position (GRCh38, 1-based): chr11:17,524,179, T>C on the plus strand (A>G on the coding strand, the complement: USH1C is on the minus strand). VCF-style: chr11-17524179-T-C. GRCh37 (hg19) VCF-style: chr11-17545726-T-C.
Other names: c.759+272A>G (NM_001297764.2, NM_005709.4).
Identifiers: ClinVar variation 672461 (VCV000672461.1), dbSNP rs79878474, ClinGen allele CA13438248.

ClinVar aggregate classification (germline): Benign (1 of 4 stars; one submission).

Allele frequency attached by ClinVar (database versions not stated): gnomAD 0.17289 and 0.17375; TOPMed 0.17959; 1000 Genomes Project 30x 0.19769; 1000 Genomes Project 0.19948.
gnomAD v4.1: 26,338 of 152,228 alleles (17%); highest among the groups gnomAD compares: African/African-American, 29%; 2,803 homozygotes.

Submission:

GeneDx
Classification: Benign. Last evaluated: 2018-06-14. Review status: criteria provided, single submitter. Criteria: GeneDx Variant Classification (06012015). Collection method: clinical testing. Allele origin: germline. Affected: yes.
Comment: This variant is considered likely benign or benign based on one or more of the following criteria: it is a conservative change, it occurs at a poorly conserved position in the protein, it is predicted to be benign by multiple in silico algorithms, and/or has population frequency not consistent with disease.